The following is an entry in ClinVar:

NM_001267550.2(TTN):c.32954G>A (p.Arg10985Gln)

Gene: TTN (titin; minus strand). Cytogenetic location: 2q31.2.
Variant type: single nucleotide variant.
Coding change: c.32954G>A on transcript NM_001267550.2 (MANE Select); coding-DNA position 32954, G replaced by A.
Protein change: p.Arg10985Gln; replaces arginine 10985 with glutamine.
Molecular consequence: missense variant. On other transcripts: intron variant (3).
Genome position (GRCh38, 1-based): chr2:178,682,837, C>T on the plus strand (G>A on the coding strand, the complement: TTN is on the minus strand). VCF-style: chr2-178682837-C-T. GRCh37 (hg19) VCF-style: chr2-179547564-C-T.
Other names: c.32003G>A, p.Arg10668Gln (NM_001256850.1); c.13283-40520G>A (NM_003319.4); c.13859-40520G>A (NM_133437.4); c.13658-40520G>A (NM_133432.3); c.29222G>A, p.Arg9741Gln (NM_133378.4); short protein forms R10985Q, R9741Q, R10668Q.
Identifiers: ClinVar variation 166108 (VCV000166108.9), dbSNP rs181395238, ClinGen allele CA178907.

ClinVar aggregate classification (germline): Conflicting classifications of pathogenicity. Review status: criteria provided, conflicting classifications (1 of 4 stars). 3 submissions from 3 submitters: Uncertain significance (2); Likely benign (1). Last evaluated 2025-09-25.

Conditions:
TTN-related disorder. Also called: TTN-related condition; TTN-related disease; TTN-related disorders.

gnomAD v4.1: 38 of 1,612,806 alleles (0.0024%); highest among the groups gnomAD compares: South Asian, 0.011%; no homozygotes.

Submissions (3):

PreventionGenetics, part of Exact Sciences
Classification: Uncertain significance for TTN-related condition. Last evaluated: 2025-09-25. Review status: criteria provided, single submitter. Criteria: ACMG Guidelines, 2015. Collection method: clinical testing. Allele origin: germline.
Comment: The TTN c.32954G>A variant is predicted to result in the amino acid substitution p.Arg10985Gln. To our knowledge, this variant has not been reported in the literature. This variant is reported in 0.016% of alleles in individuals of South Asian descent in gnomAD. At this time, the clinical significance of this variant is uncertain due to the absence of conclusive functional and genetic evidence.

Revvity Omics, Revvity
Classification: Uncertain significance. Last evaluated: 2021-12-16. Review status: criteria provided, single submitter. Criteria: ACMG Guidelines, 2015. Collection method: clinical testing. Allele origin: germline.

Laboratory for Molecular Medicine, Mass General Brigham Personalized Medicine
Classification: Likely benign. Last evaluated: 2014-03-14. Review status: criteria provided, single submitter. Criteria: LMM Criteria. Collection method: clinical testing. Allele origin: germline. Observed: 1 variant allele.
Comment: Arg9741Gln in exon 132 of TTN: This variant is not expected to have clinical sig nificance due to a lack of conservation across species, including mammals. Of no te, multiple mammals have a glutamine (Gln) at this position despite high nearby amino acid conservation. In addition, computational prediction tools do not sug gest a high likelihood of impact to the protein.